The following is an entry in ClinVar:

ClinVar aggregate classification (germline): Likely benign (0 of 4 stars; one submission).

Conditions:
SLCO1B3-related disorder. Also called: SLCO1B3-related condition.

Allele frequency attached by ClinVar (database versions not stated): TOPMed below 0.00001.

Submission:

PreventionGenetics, part of Exact Sciences
Classification: Likely benign for SLCO1B3-related condition. Last evaluated: 2022-08-31. Review status: no assertion criteria provided. Collection method: clinical testing. Allele origin: germline.
Comment: This variant is classified as likely benign based on ACMG/AMP sequence variant interpretation guidelines (Richards et al. 2015 PMID: 25741868, with internal and published modifications).

NM_019844.4(SLCO1B3):c.1498-9del

Genes: SLCO1B3 (solute carrier organic anion transporter family member 1B3; plus strand), SLCO1B3-SLCO1B7 (SLCO1B3-SLCO1B7 readthrough; plus strand). Cytogenetic location: 12p12.2.
Variant type: Deletion.
Coding change: c.1498-9del on transcript NM_019844.4 (MANE Select); 9 bases into the intron before coding-DNA position 1498, one base deleted (T; older notation c.1498-9delT).
Molecular consequence: intron variant.
Genome position (GRCh38, 1-based): chr12:20,883,409, T deleted. VCF-style (leftmost placement, unchanged base first): chr12-20883408-CT-C. GRCh37 (hg19) VCF-style: chr12-21036342-CT-C.
Other names: c.1414-9del (NM_001349920.2); c.1498-9del (NM_001371097.1).
Identifiers: ClinVar variation 3046175 (VCV003046175.2), dbSNP rs1209267398, ClinGen allele CA603967185.
Genomic context (GRCh38, chr12:20,883,408, plus strand): 5'-AATGGAATGTATTCATAGCCCTGTTGTATTTGGCAAATGTATTTGTTAATATTTCAAAAA[CT>C]ATTTTTAGGTGTTTTATAACTGTAGTTGTGTGGAAGTAACTGGTCTCCAGAACAGAAATT-3'